The following is an entry in ClinVar:

ClinVar aggregate classification (germline): Uncertain significance (1 of 4 stars; one submission).

Conditions:
Dystonia 24 (DYT24). Also called: DYT-ANO3. Identifiers: Orphanet 420485, MedGen C3554374, MONDO:0014019, OMIM 615034.

Submission:

Juno Genomics, Hangzhou Juno Genomics, Inc
Classification: Uncertain significance for Dystonia 24. Review status: criteria provided, single submitter. Criteria: ACMG Guidelines, 2015. Collection method: clinical testing. Allele origin: germline.
Comment: Absent from controls (or at extremely low frequency if recessive) in Genome Aggregation Database.;Multiple lines of computational evidence support a deleterious effect on the gene or gene product.

NM_031418.4(ANO3):c.1671+7T>C

Gene: ANO3 (anoctamin 3; plus strand). Cytogenetic location: 11p14.2.
Variant type: single nucleotide variant.
Coding change: c.1671+7T>C on transcript NM_031418.4 (MANE Select); 7 bases into the intron after coding-DNA position 1671, T replaced by C.
Molecular consequence: intron variant.
Genome position (GRCh38, 1-based): chr11:26,599,005, T>C. VCF-style: chr11-26599005-T-C. GRCh37 (hg19) VCF-style: chr11-26620552-T-C.
Other names: c.1854+7T>C (NM_001313726.2); c.1233+7T>C (NM_001313727.2).
Identifiers: ClinVar variation 5018929 (VCV005018929.2).